The following is an entry in ClinVar:

NM_001042492.3(NF1):c.5514dup (p.Ile1839fs)

Gene: NF1 (neurofibromin 1; plus strand). Cytogenetic location: 17q11.2.
Variant type: Duplication.
Coding change: c.5514dup on transcript NM_001042492.3 (MANE Select); coding-DNA position 5514, one base duplicated (T; older notation c.5514dupT).
Protein change: p.Ile1839fs; shifts the reading frame from isoleucine 1839.
Molecular consequence: frameshift variant.
Genome position (GRCh38, 1-based): chr17:31,327,744, T duplicated. VCF-style (leftmost placement, unchanged base first): chr17-31327743-C-CT. GRCh37 (hg19) VCF-style: chr17-29654761-C-CT.
Other names: c.5451dup, p.Ile1818Tyrfs (NM_000267.4); short protein forms I1818fs, I1839fs.
Identifiers: ClinVar variation 2699815 (VCV002699815.4), dbSNP rs2508707525, ClinGen allele CA2697559639.

ClinVar aggregate classification (germline): Pathogenic (1 of 4 stars; one submission).
ClinVar aggregate classification (somatic clinical impact): Tier I - Strong (1 of 4 stars; one submission).

Conditions:
Neurofibromatosis, type 1 (NF1). Also called: Peripheral type neurofibromatosis; VON RECKLINGHAUSEN DISEASE; Neurofibromatosis, type I; NEUROFIBROMATOSIS, TYPE I, SOMATIC. Identifiers: Orphanet 636, MedGen C0027831, MONDO:0018975, OMIM 162200. Disease mechanism: loss of function.
Diffuse midline glioma, H3 K27M-mutant. Identifiers: MedGen C4289688, MONDO:0957196.

Submissions (2):

Labcorp Genetics (formerly Invitae), Labcorp
Classification: Pathogenic for Neurofibromatosis, type 1. Last evaluated: 2023-11-30. Review status: criteria provided, single submitter. Criteria: Invitae Variant Classification Sherloc (09022015). Collection method: clinical testing. Allele origin: germline.
Comment: This sequence change creates a premature translational stop signal (p.Ile1818Tyrfs*23) in the NF1 gene. It is expected to result in an absent or disrupted protein product. Loss-of-function variants in NF1 are known to be pathogenic (PMID: 10712197, 23913538). This variant is not present in population databases (gnomAD no frequency). This premature translational stop signal has been observed in individual(s) with NF1-related conditions (PMID: 25520849). For these reasons, this variant has been classified as Pathogenic.

Institute for Genomic Medicine (IGM) Clinical Laboratory, Nationwide Children's Hospital
Classification: Tier I - Strong for Diffuse midline glioma, H3 K27M-mutant. Assertion type: diagnostic. Clinical significance: supports diagnosis. Last evaluated: 2022-11-09. Review status: criteria provided, single submitter. Criteria: AMP/ASCO/CAP Guidelines, 2017. Collection method: clinical testing. Allele origin: somatic. Affected: yes.
Comment: Variant has Tier I (strong) clinical significance as a diagnostic inclusion criterion in diffuse midline glioma, H3 K27M-mutant, based on the following evidence: 1) Diagnostic for a specific tumor type/classification based on well-powered studies with expert-level consensus (Evidence Level B; PMIDs: 24705251, 28966033, 33433639, 34796414, 32862234, 34759345, 32582540, 35456430).

Literature cited by the submitters: PubMed 10712197 (cited by Labcorp Genetics (formerly Invitae), Labcorp); PubMed 23913538 (cited by Labcorp Genetics (formerly Invitae), Labcorp); PubMed 25520849 (cited by Labcorp Genetics (formerly Invitae), Labcorp); PubMed 24705251 (cited by Institute for Genomic Medicine (IGM) Clinical Laboratory, Nationwide Children's Hospital); PubMed 28966033 (cited by Institute for Genomic Medicine (IGM) Clinical Laboratory, Nationwide Children's Hospital); PubMed 33433639 (cited by Institute for Genomic Medicine (IGM) Clinical Laboratory, Nationwide Children's Hospital); PubMed 34796414 (cited by Institute for Genomic Medicine (IGM) Clinical Laboratory, Nationwide Children's Hospital); PubMed 32862234 (cited by Institute for Genomic Medicine (IGM) Clinical Laboratory, Nationwide Children's Hospital); PubMed 34759345 (cited by Institute for Genomic Medicine (IGM) Clinical Laboratory, Nationwide Children's Hospital); PubMed 32582540 (cited by Institute for Genomic Medicine (IGM) Clinical Laboratory, Nationwide Children's Hospital); PubMed 35456430 (cited by Institute for Genomic Medicine (IGM) Clinical Laboratory, Nationwide Children's Hospital).